The following is an entry in ClinVar:

NM_000834.5(GRIN2B):c.3147C>A (p.Tyr1049Ter)

Gene: GRIN2B (glutamate ionotropic receptor NMDA type subunit 2B; minus strand). Cytogenetic location: 12p13.1.
Variant type: single nucleotide variant.
Coding change: c.3147C>A on transcript NM_000834.5 (MANE Select); coding-DNA position 3147, C replaced by A.
Protein change: p.Tyr1049Ter; replaces tyrosine 1049 with a stop codon.
Molecular consequence: nonsense.
Genome position (GRCh38, 1-based): chr12:13,564,091, G>T on the plus strand (C>A on the coding strand, the complement: GRIN2B is on the minus strand). VCF-style: chr12-13564091-G-T. GRCh37 (hg19) VCF-style: chr12-13717025-G-T.
Other names: c.3147C>A, p.Tyr1049Ter (NM_001413992.1); short protein forms Y1049*.
Identifiers: ClinVar variation 3377213 (VCV003377213.1).

ClinVar aggregate classification (germline): Pathogenic (1 of 4 stars; one submission).

Conditions:
Intellectual developmental disorder, autosomal dominant 6, with or without seizures. Also called: Intellectual disability, autosomal dominant 6; GRIN2B-related developmental delay, intellectual disability and autism spectrum disorder. Identifiers: Orphanet 589547, MedGen C3151411, MONDO:0013509, OMIM 613970.

Submission:

Victorian Clinical Genetics Services, Murdoch Childrens Research Institute
Classification: Pathogenic for Intellectual developmental disorder, autosomal dominant 6, with or without seizures. Last evaluated: 2024-10-09. Review status: criteria provided, single submitter. Criteria: ACMG Guidelines, 2015. Collection method: clinical testing. Allele origin: germline. Inheritance: Autosomal dominant inheritance. Affected: yes.
Comment: Based on the classification scheme VCGS_Germline_v1.3.4, this variant is classified as Pathogenic. Following criteria are met: 0103 - Loss of function and gain of function are known mechanisms of disease in this gene and are associated with developmental and epileptic encephalopathy 27 (MIM#616139) and intellectual developmental disorder, autosomal dominant 6, with or without seizures (MIM#613970) (PMID: 28377535). (I) 0107 - This gene is associated with autosomal dominant disease. (I) 0115 - Variants in this gene are known to have variable expressivity. The phenotypic severity varies in developmental and epileptic encephalopathy 27 (MIM#616139) and intellectual developmental disorder, autosomal dominant 6, with or without seizures (PMID: 28377535). (I) 0205 - Variant is predicted to result in a truncated protein (premature termination codon is NOT located at least 54 nucleotides upstream of the final exon-exon junction) with less than 1/3 of the protein sequence affected. (SP) 0251 - This variant is heterozygous. (I) 0301 - Variant is absent from gnomAD (both v2 and v3). (SP) 0701 - Other premature termination variants (PTVs) comparable to the one identified in this case have very strong previous evidence for pathogenicity. Eleven PTVs located downstream have been reported as likely pathogenic/pathogenic, including p.(Ala1412Glyfs*45) as de novo in an individual with global developmental delay (ClinVar, DECIPHER). Four PTVs located downstream have been reported as VUS by clinical testing laboratories, including p.(Arg1099Alafs*51) as de novo in a control without detailed phenotypic info. No clinical info was provided for the remaining cases (PMID: 28377535, ClinVar). (SP) 0807 - This variant has no previous evidence of pathogenicity. (I) 0905 - No published segregation evidence has been identified for this variant. (I) 1007 - No published functional evidence has been identified for this variant. (I) 1208 - Inheritance information for this variant is not currently available in this individual. (I) Legend: (SP) - Supporting pathogenic, (I) - Information, (SB) - Supporting benign

Literature cited by the submitters: PubMed 28377535.